The following is an entry in ClinVar:

ClinVar aggregate classification (germline): Pathogenic (1 of 4 stars; one submission).

Conditions:
Hereditary cancer-predisposing syndrome. Also called: Hereditary neoplastic syndrome; Neoplastic Syndromes, Hereditary; Tumor predisposition; Hereditary Cancer Syndrome. Identifiers: Orphanet 140162, MedGen C0027672, MeSH D009386, MONDO:0015356.

Submission:

Ambry Genetics
Classification: Pathogenic for Hereditary cancer-predisposing syndrome. Last evaluated: 2022-10-31. Review status: criteria provided, single submitter. Criteria: Ambry Variant Classification Scheme 2023. Collection method: clinical testing. Allele origin: germline.
Comment: The c.8603_8604insA pathogenic mutation, located in coding exon 58 of the ATM gene, results from an insertion of one nucleotide at position 8603, causing a translational frameshift with a predicted alternate stop codon (p.G2869Wfs*2). This variant is considered to be rare based on population cohorts in the Genome Aggregation Database (gnomAD). This alteration is expected to result in loss of function by premature protein truncation or nonsense-mediated mRNA decay. As such, this alteration is interpreted as a disease-causing mutation.

NM_000051.4(ATM):c.8603_8604insA (p.Gly2869fs)

Genes: C11orf65 (chromosome 11 open reading frame 65; minus strand), ATM (ATM serine/threonine kinase; plus strand). Cytogenetic location: 11q22.3.
Variant type: Insertion.
Coding change: c.8603_8604insA on transcript NM_000051.4 (MANE Select); coding-DNA positions 8603 to 8604, A inserted.
Protein change: p.Gly2869fs; shifts the reading frame from glycine 2869.
Molecular consequence: frameshift variant. On other transcripts: intron variant (2).
Genome position: GRCh38 VCF-style: chr11-108347297-T-TA. GRCh37 (hg19) VCF-style: chr11-108218024-T-TA.
Other names: c.8603_8604insA, p.Gly2869fs (NM_001351834.2); c.641-38227_641-38226insT (NM_001330368.2); c.695-12006_695-12005insT (NM_001351110.2); short protein forms G2869fs.
Identifiers: ClinVar variation 1764025 (VCV001764025.3), dbSNP rs2547460769, ClinGen allele CA2580083460.